The following is an entry in ClinVar:

NM_007294.4(BRCA1):c.1718C>T (p.Ser573Leu)

Gene: BRCA1 (BRCA1 DNA repair associated; minus strand). Cytogenetic location: 17q21.31.
Variant type: single nucleotide variant.
Coding change: c.1718C>T on transcript NM_007294.4 (MANE Select); coding-DNA position 1718, C replaced by T.
Protein change: p.Ser573Leu; replaces serine 573 with leucine.
Molecular consequence: missense variant. On other transcripts: intron variant (137).
Genome position (GRCh38, 1-based): chr17:43,093,813, G>A on the plus strand (C>T on the coding strand, the complement: BRCA1 is on the minus strand). VCF-style: chr17-43093813-G-A. GRCh37 (hg19) VCF-style: chr17-41245830-G-A.
Other names: c.574+931C>T (NM_001408493.1, NM_001408490.1, NM_001408491.1); c.454+931C>T (NM_001408502.1); c.577+931C>T (NM_001408489.1, NM_001408479.1, NM_001408482.1 and 9 more transcripts); c.661+931C>T (NM_001408445.1, NM_001408432.1, NM_001408450.1 and 6 more transcripts); c.667+2033C>T (NM_001408431.1, NM_001408424.1, NM_001408421.1); c.784+931C>T (NM_001408407.1, NM_001408402.1, NM_001408473.1 and 13 more transcripts); c.664+931C>T (NM_001408443.1, NM_001408439.1, NM_001408425.1 and 12 more transcripts); c.670+2033C>T (NM_001408419.1, NM_001408422.1, NM_001408418.1 and 2 more transcripts); and 40 more; short protein forms S573L, S526L, S502L, S525L, S547L, S570L, S405L, S503L.
Identifiers: ClinVar variation 233482 (VCV000233482.24), dbSNP rs876660434, ClinGen allele CA10580654.

ClinVar aggregate classification (germline): Conflicting classifications of pathogenicity. Review status: criteria provided, conflicting classifications (1 of 4 stars). 5 submissions from 5 submitters: Uncertain significance (3); Likely benign (2). Last evaluated 2025-12-29.

Conditions:
Hereditary cancer-predisposing syndrome. Also called: Neoplastic Syndromes, Hereditary; Tumor predisposition; Hereditary Cancer Syndrome; Hereditary neoplastic syndrome. Identifiers: Orphanet 140162, MedGen C0027672, MeSH D009386, MONDO:0015356.
Hereditary breast ovarian cancer syndrome. Also called: Hereditary breast and ovarian cancer syndrome; BRCA1- and BRCA2-Associated Hereditary Breast and Ovarian Cancer; Breast and ovarian cancer; Hereditary breast and/or ovarian cancer syndrome; Hereditary breast and ovarian cancer; Hereditary breast and ovarian cancer syndrome (HBOC). Identifiers: Orphanet 145, MedGen C0677776, MeSH D061325, MONDO:0003582. Disease mechanism: loss of function.

Allele frequency attached by ClinVar (database versions not stated): gnomAD exomes below 0.00001.
gnomAD v4.1: 3 of 1,613,350 alleles (0.00019%); highest among the groups gnomAD compares: Non-Finnish European, 0.00017%; no homozygotes.

Submissions (5):

Center for Genomic Medicine, Rigshospitalet, Copenhagen University Hospital
Classification: Likely benign. Last evaluated: 2025-12-29. Review status: criteria provided, single submitter. Criteria: ACMG Guidelines, 2015. Collection method: clinical testing. Allele origin: germline.
Comment: Classification criteria: BP1_Strong

Labcorp Genetics (formerly Invitae), Labcorp
Classification: Uncertain significance for Hereditary breast ovarian cancer syndrome. Last evaluated: 2025-11-05. Review status: criteria provided, single submitter. Criteria: Invitae Variant Classification Sherloc (09022015). Collection method: clinical testing. Allele origin: germline.
Comment: This sequence change replaces serine, which is neutral and polar, with leucine, which is neutral and non-polar, at codon 573 of the BRCA1 protein (p.Ser573Leu). This variant is not present in population databases (gnomAD no frequency). This variant has not been reported in the literature in individuals affected with BRCA1-related conditions. ClinVar contains an entry for this variant (Variation ID: 233482). Invitae Evidence Modeling of protein sequence and biophysical properties (such as structural, functional, and spatial information, amino acid conservation, physicochemical variation, residue mobility, and thermodynamic stability) indicates that this missense variant is not expected to disrupt BRCA1 protein function with a negative predictive value of 80%. In summary, the available evidence is currently insufficient to determine the role of this variant in disease. Therefore, it has been classified as a Variant of Uncertain Significance.

Color Diagnostics, LLC DBA Color Health
Classification: Uncertain significance for Hereditary cancer-predisposing syndrome. Last evaluated: 2025-09-09. Review status: criteria provided, single submitter. Criteria: ACMG Guidelines, 2015. Collection method: clinical testing. Allele origin: germline.
Comment: This missense variant replaces serine with leucine at codon 573 of the BRCA1 protein. Computational prediction is inconclusive regarding the impact of this variant on protein structure and function. To our knowledge, functional studies have not been reported for this variant. This variant has been reported in breast cancer, pancreatic cancer and prostate cancer case-control studies where it is absent in 7104 breast cancer cases, 1005 pancreatic cancer cases and 7636 prostate cancer cases and is found in 2 unaffected individuals (PMID: 30287823, 31214711, 32980694). A multifactorial analysis has reached a combined likelihood ratio (LR) of 4.359 based on reported LR for co-occurrence with a pathogenic variant and personal and family history for 1 carrier (PMID: 31853058). This variant has not been identified in the general population by the Genome Aggregation Database (gnomAD). The available evidence is insufficient to determine the role of this variant in disease conclusively. Therefore, this variant is classified as a Variant of Uncertain Significance.

Ambry Genetics
Classification: Uncertain significance for Hereditary cancer-predisposing syndrome. Last evaluated: 2023-11-20. Review status: criteria provided, single submitter. Criteria: Ambry Variant Classification Scheme 2023. Collection method: clinical testing. Allele origin: germline.
Comment: The p.S573L variant (also known as c.1718C>T), located in coding exon 9 of the BRCA1 gene, results from a C to T substitution at nucleotide position 1718. The serine at codon 573 is replaced by leucine, an amino acid with dissimilar properties. This amino acid position is well conserved in available vertebrate species. In addition, this alteration is predicted to be deleterious by in silico analysis. Since supporting evidence is limited at this time, the clinical significance of this alteration remains unclear.

University of Washington Department of Laboratory Medicine, University of Washington
Classification: Likely benign for Hereditary cancer-predisposing syndrome. Last evaluated: 2023-03-23. Review status: criteria provided, single submitter. Criteria: Dines et al. (Genet Med. 2020). Collection method: curation. Allele origin: germline.
Comment: Missense variant in a coldspot region where missense variants are very unlikely to be pathogenic (PMID:31911673).

BRCA1 coldspot (exon 11 using historical exon numbering). Reclassification based on statistical prior probability

Literature cited by the submitters: PubMed 30287823 (cited by Color Diagnostics, LLC DBA Color Health and Ambry Genetics); PubMed 31214711 (cited by Color Diagnostics, LLC DBA Color Health); PubMed 31853058 (cited by Color Diagnostics, LLC DBA Color Health); PubMed 32980694 (cited by Color Diagnostics, LLC DBA Color Health).